The following is an entry in ClinVar:

NM_001004694.3(OR2T29):c.381C>T (p.Tyr127=)

Gene: OR2T29 (olfactory receptor family 2 subfamily T member 29). Cytogenetic location: 1q44.
Variant type: single nucleotide variant.
Coding change: c.381C>T on transcript NM_001004694.3 (MANE Select); coding-DNA position 381, C replaced by T.
Protein change: p.Tyr127=; no amino-acid change (tyrosine 127 retained).
Molecular consequence: synonymous variant.
Genome position (GRCh38, 1-based): chr1:248,559,111, G>A on the plus strand (C>T on the coding strand, the complement: OR2T29 is on the minus strand). VCF-style: chr1-248559111-G-A. GRCh37 (hg19) VCF-style: chr1-248722412-G-A.
Identifiers: ClinVar variation 4821401 (VCV004821401.4).

ClinVar aggregate classification (germline): Likely benign (1 of 4 stars; one submission).

Submission:

CeGaT Center for Human Genetics Tuebingen
Classification: Likely benign. Last evaluated: 2026-02-01. Review status: criteria provided, single submitter. Criteria: CeGaT Center For Human Genetics Tuebingen Variant Classification Criteria Version 2. Collection method: clinical testing. Allele origin: germline. Affected: yes. Observed: 1 variant allele.
Comment: OR2T29: BP4, BP7